The following is an entry in ClinVar:

ClinVar aggregate classification (germline): Uncertain significance. Review status: criteria provided, multiple submitters, no conflicts (2 of 4 stars). 6 submissions from 6 submitters: Uncertain significance (6). Last evaluated 2025-12-10.

Conditions:
Inborn genetic diseases. Identifiers: MedGen C0950123, MeSH D030342.
Muscular dystrophy-dystroglycanopathy (congenital with brain and eye anomalies), type a, 10 (MDDGA10). Also called: WALKER-WARBURG SYNDROME OR MUSCLE-EYE-BRAIN DISEASE, TMEM5-RELATED. Identifiers: Orphanet 899, MedGen C3554381, MONDO:0014022, OMIM 615041.

Allele frequency attached by ClinVar (database versions not stated): ESP Exome Variant Server 0.00008; gnomAD 0.00011 and 0.00012; TOPMed 0.00012; ExAC 0.00014; gnomAD exomes 0.00015 and 0.00020.
gnomAD v4.1: 306 of 1,610,268 alleles (0.019%); highest among the groups gnomAD compares: Non-Finnish European, 0.025%; no homozygotes.

Submissions (6):

Labcorp Genetics (formerly Invitae), Labcorp
Classification: Uncertain significance. Last evaluated: 2025-12-10. Review status: criteria provided, single submitter. Criteria: Invitae Variant Classification Sherloc (09022015). Collection method: clinical testing. Allele origin: germline.
Comment: This sequence change replaces lysine, which is basic and polar, with arginine, which is basic and polar, at codon 6 of the RXYLT1 protein (p.Lys6Arg). This variant is present in population databases (rs145516652, gnomAD 0.03%). This variant has not been reported in the literature in individuals affected with RXYLT1-related conditions. ClinVar contains an entry for this variant (Variation ID: 540603). An algorithm developed to predict the effect of missense changes on protein structure and function outputs the following: PolyPhen-2: "Benign". The arginine amino acid residue is found in multiple mammalian species, which suggests that this missense change does not adversely affect protein function. In summary, the available evidence is currently insufficient to determine the role of this variant in disease. Therefore, it has been classified as a Variant of Uncertain Significance.

Revvity Omics, Revvity
Classification: Uncertain significance for Muscular dystrophy-dystroglycanopathy (congenital with brain and eye anomalies), type a, 10. Last evaluated: 2023-10-25. Review status: criteria provided, single submitter. Criteria: ACMG Guidelines, 2015. Collection method: clinical testing. Allele origin: germline.

Mayo Clinic Laboratories, Mayo Clinic
Classification: Uncertain significance. Last evaluated: 2023-05-12. Review status: criteria provided, single submitter. Criteria: ACMG Guidelines, 2015. Collection method: clinical testing. Allele origin: germline. Observed: 2 variant alleles.
Comment: BP4

Ambry Genetics
Classification: Uncertain significance for Inborn genetic diseases. Last evaluated: 2021-08-02. Review status: criteria provided, single submitter. Criteria: Ambry Variant Classification Scheme 2023. Collection method: clinical testing. Allele origin: germline.

GeneDx
Classification: Uncertain significance. Last evaluated: 2020-06-16. Review status: criteria provided, single submitter. Criteria: GeneDx Variant Classification Process June 2021. Collection method: clinical testing. Allele origin: germline. Affected: yes.
Comment: In silico analysis supports that this missense variant does not alter protein structure/function; Has not been previously published as pathogenic or benign to our knowledge

Fulgent Genetics
Classification: Uncertain significance for Muscular dystrophy-dystroglycanopathy (congenital with brain and eye anomalies), type a, 10. Last evaluated: 2018-10-31. Review status: criteria provided, single submitter. Criteria: ACMG Guidelines, 2015. Collection method: clinical testing. Allele origin: unknown.

NM_014254.3(RXYLT1):c.17A>G (p.Lys6Arg)

Gene: RXYLT1 (ribitol xylosyltransferase 1; plus strand). Cytogenetic location: 12q14.2.
Variant type: single nucleotide variant.
Coding change: c.17A>G on transcript NM_014254.3 (MANE Select); coding-DNA position 17, A replaced by G.
Protein change: p.Lys6Arg; replaces lysine 6 with arginine.
Molecular consequence: missense variant.
Genome position (GRCh38, 1-based): chr12:63,779,977, A>G. VCF-style: chr12-63779977-A-G. GRCh37 (hg19) VCF-style: chr12-64173757-A-G.
Other names: p.Lys6Arg; c.17A>G (NM_014254.1); short protein forms K6R.
Identifiers: ClinVar variation 540603 (VCV000540603.17), dbSNP rs145516652, ClinGen allele CA6665968.